The following is an entry in ClinVar:

ClinVar aggregate classification (germline): Pathogenic/Likely pathogenic. Review status: criteria provided, multiple submitters, no conflicts (2 of 4 stars). 2 submissions from 2 submitters: Pathogenic (1); Likely pathogenic (1). Last evaluated 2024-06-10.

Conditions:
Spastic paraplegia. Identifiers: MedGen C0037772, HP:0001258.

Submissions (2):

Athena Diagnostics
Classification: Likely pathogenic. Last evaluated: 2024-06-10. Review status: criteria provided, single submitter. Criteria: Athena Diagnostics Criteria. Collection method: clinical testing. Allele origin: unknown.
Comment: This variant has not been reported in large, multi-ethnic general populations. This variant is not expected to cause loss of protein expression through nonsense-mediated decay, however, similar variants in this region have been associated with disease, and therefore, this variant is also expected to contribute to disease.

Labcorp Genetics (formerly Invitae), Labcorp
Classification: Pathogenic for Spastic paraplegia. Last evaluated: 2023-01-13. Review status: criteria provided, single submitter. Criteria: Invitae Variant Classification Sherloc (09022015). Collection method: clinical testing. Allele origin: germline.
Comment: For these reasons, this variant has been classified as Pathogenic. This variant disrupts a region of the SACS protein in which other variant(s) (p.Tyr4538*) have been determined to be pathogenic (Invitae). This suggests that this is a clinically significant region of the protein, and that variants that disrupt it are likely to be disease-causing. This variant has not been reported in the literature in individuals affected with SACS-related conditions. This variant is not present in population databases (gnomAD no frequency). This sequence change creates a premature translational stop signal (p.Asp2796Argfs*14) in the SACS gene. While this is not anticipated to result in nonsense mediated decay, it is expected to disrupt the last 1784 amino acid(s) of the SACS protein.

NM_014363.6(SACS):c.8385dup (p.Asp2796fs)

Gene: SACS (sacsin molecular chaperone; minus strand). Cytogenetic location: 13q12.12.
Variant type: Duplication.
Coding change: c.8385dup on transcript NM_014363.6 (MANE Select); coding-DNA position 8385, one base duplicated (A; older notation c.8385dupA).
Protein change: p.Asp2796fs; shifts the reading frame from aspartic acid 2796.
Molecular consequence: frameshift variant.
Genome position (GRCh38, 1-based): chr13:23,335,491, T duplicated on the plus strand (A on the coding strand, the reverse complement: SACS is on the minus strand); the first of 3 consecutive T bases (chr13:23,335,491-23,335,493); duplicating any one gives the same sequence. VCF-style (leftmost placement, unchanged base first): chr13-23335490-C-CT. GRCh37 (hg19) VCF-style: chr13-23909629-C-CT.
Other names: c.8385dup (NM_014363.4); c.7944dup, p.Asp2649fs (NM_001278055.2); short protein forms D2649fs, D2796fs.
Identifiers: ClinVar variation 2026545 (VCV002026545.5), dbSNP rs2542218493, ClinGen allele CA2580086899.
Genomic context (GRCh38, chr13:23,335,490, plus strand): 5'-TAAGATTTCCTTCAGAGTCCTCAGTATCCATAGTATAGGTTATTTGTTGAACTGGTATGT[C>CT]TTTGAGCTGCCTCTTTTTAGTAACACTATCAATTACAGATGCATGAAATTGTTTCCTTTT-3'